The following is an entry in ClinVar:

ClinVar aggregate classification (germline): Pathogenic (1 of 4 stars; one submission).

Conditions:
Jeune thoracic dystrophy. Also called: Jeune's syndrome; Chondroectodermal dysplasia-like syndrome; Short-rib thoracic dysplasia; Jeune syndrome; Infantile thoracic dystrophy; Thoracic pelvic phalangeal dystrophy. Identifiers: Orphanet 474, MedGen C0265275, MONDO:0018770.

Submission:

Labcorp Genetics (formerly Invitae), Labcorp
Classification: Pathogenic for Jeune thoracic dystrophy. Last evaluated: 2023-05-23. Review status: criteria provided, single submitter. Criteria: Invitae Variant Classification Sherloc (09022015). Collection method: clinical testing. Allele origin: unknown.
Comment: For these reasons, this variant has been classified as Pathogenic. This variant disrupts a region of the DYNC2H1 protein in which other variant(s) (p.Arg4284Gly ) have been determined to be pathogenic (PMID: 29068549). This suggests that this is a clinically significant region of the protein, and that variants that disrupt it are likely to be disease-causing. This variant has not been reported in the literature in individuals affected with DYNC2H1-related conditions. This variant is a gross deletion of the genomic region encompassing exon(s) 72-90 of the DYNC2H1 gene, which includes the termination codon. This deletion extends beyond the assayed region for this gene and therefore may encompass additional genes. While this deletion is not anticipated to lead to nonsense mediated decay, it is expected to alter mRNA translation or result in a truncated protein product.

Literature cited by the submitters: PubMed 29068549.

NC_000011.9:g.(?_103151057)_(103349981_?)del

Gene: DYNC2H1 (dynein cytoplasmic 2 heavy chain 1; plus strand). Cytogenetic location: 11q22.3.
Variant type: Deletion.
Identifiers: ClinVar variation 3244569 (VCV003244569.1).